The following is an entry in ClinVar:

ClinVar aggregate classification (germline): Uncertain significance (1 of 4 stars; one submission).

Conditions:
Pitt-Hopkins-like syndrome 2 (PTHSL2). Identifiers: Orphanet 221150, Orphanet 600663, MedGen C3280479, MONDO:0013690, OMIM 614325.

Submission:

Labcorp Genetics (formerly Invitae), Labcorp
Classification: Uncertain significance for Pitt-Hopkins-like syndrome 2. Last evaluated: 2021-03-25. Review status: criteria provided, single submitter. Criteria: Invitae Variant Classification Sherloc (09022015). Collection method: clinical testing. Allele origin: germline.
Comment: This variant has not been reported in the literature in individuals with NRXN1-related conditions. Algorithms developed to predict the effect of missense changes on protein structure and function (SIFT, PolyPhen-2, Align-GVGD) all suggest that this variant is likely to be tolerated, but these predictions have not been confirmed by published functional studies and their clinical significance is uncertain. In summary, the available evidence is currently insufficient to determine the role of this variant in disease. Therefore, it has been classified as a Variant of Uncertain Significance. This variant is not present in population databases (ExAC no frequency). This sequence change replaces glutamic acid with aspartic acid at codon 443 of the NRXN1 protein (p.Glu443Asp). The glutamic acid residue is highly conserved and there is a small physicochemical difference between glutamic acid and aspartic acid.

NM_001330078.2(NRXN1):c.1209A>T (p.Glu403Asp)

Gene: NRXN1 (neurexin 1; minus strand). Cytogenetic location: 2p16.3.
Variant type: single nucleotide variant.
Coding change: c.1209A>T on transcript NM_001330078.2 (MANE Select); coding-DNA position 1209, A replaced by T.
Protein change: p.Glu403Asp; replaces glutamic acid 403 with aspartic acid.
Molecular consequence: missense variant.
Genome position (GRCh38, 1-based): chr2:50,620,133, T>A on the plus strand (A>T on the coding strand, the complement: NRXN1 is on the minus strand). VCF-style: chr2-50620133-T-A. GRCh37 (hg19) VCF-style: chr2-50847271-T-A.
Other names: c.1170A>T, p.Glu390Asp (NM_001330083.2, NM_001330084.2); c.1209A>T, p.Glu403Asp (NM_001330085.2, NM_001330086.2, NM_004801.6); c.1125A>T, p.Glu375Asp (NM_001330087.2, NM_001330096.2); c.1155A>T, p.Glu385Asp (NM_001330088.2); c.1206A>T, p.Glu402Asp (NM_001330093.2); c.1197A>T, p.Glu399Asp (NM_001330094.2); c.1185A>T, p.Glu395Asp (NM_001330095.2, NM_001330077.2, NM_001330082.2); c.1329A>T, p.Glu443Asp (NM_001135659.3); short protein forms E399D, E375D, E390D, E385D, E395D, E402D, E403D, E443D.
Identifiers: ClinVar variation 1490867 (VCV001490867.8), dbSNP rs1573821390, ClinGen allele CA346821824.